The following is an entry in ClinVar:

NM_006206.6(PDGFRA):c.518A>G (p.Asp173Gly)

Gene: PDGFRA (platelet derived growth factor receptor alpha; plus strand). Cytogenetic location: 4q12.
Variant type: single nucleotide variant.
Coding change: c.518A>G on transcript NM_006206.6 (MANE Select); coding-DNA position 518, A replaced by G.
Protein change: p.Asp173Gly; replaces aspartic acid 173 with glycine.
Molecular consequence: missense variant.
Genome position (GRCh38, 1-based): chr4:54,263,817, A>G. VCF-style: chr4-54263817-A-G. GRCh37 (hg19) VCF-style: chr4-55129984-A-G.
Other names: c.557A>G, p.Asp186Gly (NM_001347830.2); c.518A>G, p.Asp173Gly (NM_001347827.2, NM_001347829.2); c.593A>G, p.Asp198Gly (NM_001347828.2); short protein forms D173G, D186G, D198G.
Identifiers: ClinVar variation 3648952 (VCV003648952.2).

ClinVar aggregate classification (germline): Uncertain significance (1 of 4 stars; one submission).

Conditions:
Gastrointestinal stromal tumor. Also called: Gastrointestinal stromal tumor, somatic; Gastrointestinal stroma tumor. Identifiers: Orphanet 44890, MedGen C0238198, MeSH D046152, MONDO:0011719, OMIM 606764, HP:0100723.

Submission:

Labcorp Genetics (formerly Invitae), Labcorp
Classification: Uncertain significance for Gastrointestinal stromal tumor. Last evaluated: 2024-04-06. Review status: criteria provided, single submitter. Criteria: Invitae Variant Classification Sherloc (09022015). Collection method: clinical testing. Allele origin: germline.
Comment: This sequence change replaces aspartic acid, which is acidic and polar, with glycine, which is neutral and non-polar, at codon 173 of the PDGFRA protein (p.Asp173Gly). This variant is not present in population databases (gnomAD no frequency). This variant has not been reported in the literature in individuals affected with PDGFRA-related conditions. Advanced modeling of protein sequence and biophysical properties (such as structural, functional, and spatial information, amino acid conservation, physicochemical variation, residue mobility, and thermodynamic stability) performed at Invitae indicates that this missense variant is not expected to disrupt PDGFRA protein function with a negative predictive value of 80%. In summary, the available evidence is currently insufficient to determine the role of this variant in disease. Therefore, it has been classified as a Variant of Uncertain Significance.